The following is an entry in ClinVar:

NM_000203.5(IDUA):c.223G>A (p.Ala75Thr)

Genes: IDUA (alpha-L-iduronidase; plus strand), SLC26A1 (solute carrier family 26 member 1; minus strand). Cytogenetic location: 4p16.3.
Variant type: single nucleotide variant.
Coding change: c.223G>A on transcript NM_000203.5 (MANE Select); coding-DNA position 223, G replaced by A.
Protein change: p.Ala75Thr; replaces alanine 75 with threonine.
Molecular consequence: missense variant. On other transcripts: 3 prime UTR variant (2), non-coding transcript variant (1), intron variant (1).
Genome position (GRCh38, 1-based): chr4:987,873, G>A. VCF-style: chr4-987873-G-A. GRCh37 (hg19) VCF-style: chr4-981661-G-A.
Other names: c.*960C>T (NM_022042.4, NM_213613.4); c.576+3255C>T (NM_134425.4); short protein forms A75T.
Identifiers: ClinVar variation 222993 (VCV000222993.23), dbSNP rs758452450, ClinGen allele CA356994.

ClinVar aggregate classification (germline): Pathogenic. Review status: reviewed by expert panel (3 of 4 stars). 8 submissions from 8 submitters: Pathogenic (1). 7 of the submissions do not count toward it. Last evaluated 2025-05-04.

Conditions:
IDUA-related disorder. Also called: IDUA-related condition.
Mucopolysaccharidosis type 1. Also called: IDUA deficiency; MPS I; Mucopolysaccharidosis Type I. Identifiers: Orphanet 579, MedGen C0023786, MONDO:0001586.
Hurler syndrome. Also called: Gargoylism, Hurler Syndrome; MUCOPOLYSACCHARIDOSIS TYPE IH; Severe MPS I (Hurler Syndrome). Identifiers: Orphanet 93473, MedGen C0086795, MONDO:0011758, OMIM 607014.

Allele frequency attached by ClinVar (database versions not stated): gnomAD 0.00001; gnomAD exomes 0.00001; ExAC 0.00002; TOPMed 0.00002.
gnomAD v4.1: 19 of 1,611,924 alleles (0.0012%); highest among the groups gnomAD compares: African/African-American, 0.0013%; no homozygotes.

Submissions (8):

ClinGen Lysosomal Storage Disorder Variant Curation Expert Panel
Classification: Pathogenic for Mucopolysaccharidosis type 1. Last evaluated: 2025-05-04. Review status: reviewed by expert panel. Criteria: ClinGen LSD ACMG Specifications IDUA V1.0.0. Collection method: curation. Allele origin: germline. Inheritance: Autosomal recessive inheritance.
Comment: The NM_000203.5:c.223G>A variant in IDUA is a missense variant predicted to cause substitution of alanine by threonine at amino acid 75, p.(Ala75Thr). This variant has been seen in at least 11 unrelated patients. Six of these patients are compound heterozygous for the variant and another variant in IDUA that has been classified as pathogenic, phase not confirmed: c.208C>T (p.Gln70Ter) (PMID: 28752568, 35141277) (ClinVar Variation ID: 11909; 3 patients; max 2 patients counted, 2 x 0.5), c.1205G>A (p.Trp402Ter) (ClinVar Variation ID: 11908) (PMID: 28752568, 8019563) (3 patients; max 2 patients counted, 2 x 0.5), and 2 individuals are homozygous for the variant (PMID: 11735025, 27146977). In addition, three individuals are compound heterozygous for the variant and either c.895C>T (PMID: 27146977), c.1898C>T (p.Ser633Leu) (PMID: 16438163) or c.1650+1G>T (PMID: 29843745). The allelic data from these patients will be used in the classification of the second variant and is not included here to avoid circular logic. Total points = 3 points (PM3_Strong). One of these individuals has specific clinical features (dysostosis multiplex, hepatosplenomegaly, corneal clouding and coarse facial features), with undetectable IDUA enzyme activity compared to Thai controls, and elevated urinary dermatan and heparan sulfate excretion (PMID: 16438163). This is sufficient for use of PP4_Moderate. The highest population minor allele frequency in gnomAD v4.1.0. is 0.00001335 (1/74900 alleles) in the African/African American population, which is lower than the ClinGen Lysosomal Diseases VCEP’s threshold for PM2_Supporting (<0.00025). Expression of the variant in COS-1 cells resulted in no residual wild type IDUA activity (once background activity subtracted), indicating that this variant may impact protein function (PMID: 7550232)(PS3_Supporting). The computational predictor REVEL gives a score of 0.803 which is above the threshold of 0.773, evidence that correlates with impact to IDUA function at the moderate level based on the specifications of the ClinGen Lysosomal Diseases VCEP (PMID: 36413997) (PP3_Moderate). There is a ClinVar entry for this variant (Variation ID: 222993). In summary, this variant meets the criteria to be classified as pathogenic. IDUA-specific ACMG/AMP criteria applied, as specified by the ClinGen Lysosomal Diseases Variant Curation Expert Panel (Specifications version 1.0.0.): PM3_Strong, PP3_Moderate, PP4_Moderate. PS3_Supporting, PM2_Supporting. (Classification approved by the ClinGen Lysosomal Diseases Variant Curation Expert Panel on May 4, 2025)

Natera, Inc.
Classification: Pathogenic for Mucopolysaccharidosis type I. Last evaluated: 2025-08-01. Review status: criteria provided, single submitter. Criteria: Natera Variant Classification Schema (03/2026). Collection method: clinical testing. Allele origin: germline. Not counted in ClinVar's aggregate classification.
Comment: The c.223G>A variant in IDUA is a missense variant predicted to cause substitution of alanine to threonine at amino acid 75. This variant is rare in the general population with a frequency below the threshold expected for the associated phenotype(s). This variant has been observed in one or more individuals affected with the associated recessive disease, as either homozygous or compound heterozygous with a second variant (PMID: 27146977, 35141277). Computational prediction algorithms indicate this variant is likely to affect gene or protein function. Given the available evidence, this variant is classified as Pathogenic.

PreventionGenetics, part of Exact Sciences
Classification: Pathogenic for IDUA-related condition. Last evaluated: 2025-03-14. Review status: criteria provided, single submitter. Criteria: ACMG Guidelines, 2015. Collection method: clinical testing. Allele origin: germline. Not counted in ClinVar's aggregate classification.
Comment: The IDUA c.223G>A variant is predicted to result in the amino acid substitution p.Ala75Thr. This variant has been reported to be causative for autosomal recessive mucopolysaccharidosis type I (MPSI) (Clarke et al 1994. PubMed ID: 8019563; Beesley et al. 2001. PubMed ID: 11735025; Uttarilli et al. 2016. PubMed ID: 27146977). This variant is interpreted as pathogenic.

Labcorp Genetics (formerly Invitae), Labcorp
Classification: Pathogenic for Mucopolysaccharidosis type 1. Last evaluated: 2024-08-15. Review status: criteria provided, single submitter. Criteria: Invitae Variant Classification Sherloc (09022015). Collection method: clinical testing. Allele origin: germline. Not counted in ClinVar's aggregate classification.
Comment: This sequence change replaces alanine, which is neutral and non-polar, with threonine, which is neutral and polar, at codon 75 of the IDUA protein (p.Ala75Thr). The frequency data for this variant in the population databases is considered unreliable, as metrics indicate poor data quality at this position in the gnomAD database. This missense change has been observed in individual(s) with mucopolysaccharidosis type I (PMID: 8680403, 11735025, 16438163, 27146977, 29843745). In at least one individual the data is consistent with being in trans (on the opposite chromosome) from a pathogenic variant. ClinVar contains an entry for this variant (Variation ID: 222993). Invitae Evidence Modeling of protein sequence and biophysical properties (such as structural, functional, and spatial information, amino acid conservation, physicochemical variation, residue mobility, and thermodynamic stability) has been performed for this missense variant. However, the output from this modeling did not meet the statistical confidence thresholds required to predict the impact of this variant on IDUA protein function. Experimental studies have shown that this missense change affects IDUA function (PMID: 7550232). For these reasons, this variant has been classified as Pathogenic.

Revvity Omics, Revvity
Classification: Pathogenic. Last evaluated: 2023-05-22. Review status: criteria provided, single submitter. Criteria: ACMG Guidelines, 2015. Collection method: clinical testing. Allele origin: germline. Not counted in ClinVar's aggregate classification.

Women's Health and Genetics/Laboratory Corporation of America, LabCorp
Classification: Pathogenic for Mucopolysaccharidosis type 1. Last evaluated: 2021-03-31. Review status: criteria provided, single submitter. Criteria: LabCorp Variant Classification Summary - May 2015. Collection method: clinical testing. Allele origin: germline. Not counted in ClinVar's aggregate classification.
Comment: Variant summary: IDUA c.223G>A (p.Ala75Thr) results in a non-conservative amino acid change located in the Glycoside hydrolase domain (IPR000514) of the encoded protein sequence. Four of five in-silico tools predict a damaging effect of the variant on protein function. The variant allele was found at a frequency of 8.3e-06 in 241700 control chromosomes. c.223G>A has been reported in the literature in multiple individuals affected with Mucopolysaccharidosis Type 1 (example, Clarke_1994, Ghosh_2017). These data indicate that the variant is very likely to be associated with disease. At least one publication reports experimental evidence evaluating an impact on protein function. The most pronounced variant effect results in <10% of normal activity (example, Tieu_1995). Four clinical diagnostic laboratories and the Gene Reviews database have submitted clinical-significance assessments for this variant to ClinVar after 2014 without evidence for independent evaluation. All submitters classified the variant as pathogenic. Based on the evidence outlined above, the variant was classified as pathogenic.

Broad Center for Mendelian Genomics, Broad Institute of MIT and Harvard
Classification: Pathogenic for Mucopolysaccharidosis type 1. Last evaluated: 2020-01-13. Review status: criteria provided, single submitter. Criteria: ACMG Guidelines, 2015. Collection method: curation. Allele origin: germline. Inheritance: Autosomal recessive inheritance. Not counted in ClinVar's aggregate classification.
Comment: The p.Ala75Thr variant in IDUA has been reported in at least 9 individuals with mucopolysaccharidosis (MPS) (PMID: 29843745, 27146977, 28752568) and has been identified in 0.002% (3/121916) of European (non-Finnish) chromosomes by the Genome Aggregation Database (gnomAD; dbSNP rs758452450). Although this variant has been seen in the general population, its frequency is not high enough to rule out a pathogenic role. This variant has also been reported in ClinVar (VariationID: 222993) as pathogenic by Counsyl and GeneReviews. Computational prediction tools and conservation analyses suggest that this variant may impact the protein, though this information is not predictive enough to determine pathogenicity. The phenotype of individuals homozygous and compound heterozygous for this variant is highly specific for MPS based on null alpha-L-iduronidase activity, consistent with disease (PMID: 27146977). The presence of this variant in 3 affected homozygotes and in combination with reported pathogenic and likely pathogenic variants in 5 individuals with MPS increases the likelihood that the p.Ala75Thr variant is pathogenic (VariationID: 11908, 11909; PMID: 29843745, 27146977, 28752568). In summary, this variant meets criteria to be classified as pathogenic for MPS in an autosomal recessive manner based on the presence of the variant in combination with other pathogenic or likely pathogenic variants in individuals with MPS and the phenotype of individuals with the variant being highly specific for MPS. ACMG/AMP Criteria applied: PM3_very-strong, PM2, PP3, PP4 (Richards 2015).

Counsyl
Classification: Pathogenic for Hurler syndrome. Last evaluated: 2017-11-16. Review status: no assertion criteria provided. Collection method: clinical testing. Allele origin: unknown. Not counted in ClinVar's aggregate classification.

Literature cited by the submitters: PubMed 27146977 (cited by 4 submitters); PubMed 35141277 (cited by Natera, Inc.); PubMed 8680403 (cited by Labcorp Genetics (formerly Invitae), Labcorp); PubMed 11735025 (cited by Labcorp Genetics (formerly Invitae), Labcorp); PubMed 16438163 (cited by Labcorp Genetics (formerly Invitae), Labcorp and Counsyl); PubMed 29843745 (cited by Labcorp Genetics (formerly Invitae), Labcorp and Broad Center for Mendelian Genomics, Broad Institute of MIT and Harvard); PubMed 7550232 (cited by Labcorp Genetics (formerly Invitae), Labcorp and Counsyl); PubMed 28752568 (cited by Broad Center for Mendelian Genomics, Broad Institute of MIT and Harvard); PubMed 8019563 (cited by Counsyl).